The following is an entry in ClinVar:

ClinVar aggregate classification (germline): Uncertain significance. Review status: criteria provided, multiple submitters, no conflicts (2 of 4 stars). 2 submissions from 2 submitters: Uncertain significance (2). Last evaluated 2022-07-05.

Conditions:
Primary ciliary dyskinesia. Also called: Ciliary dyskinesia. Identifiers: Orphanet 244, MedGen C0008780, MONDO:0016575, HP:0012265.

Allele frequency attached by ClinVar (database versions not stated): gnomAD exomes below 0.00001; TOPMed below 0.00001; gnomAD 0.00001.
gnomAD v4.1: 14 of 1,614,086 alleles (0.00087%); highest among the groups gnomAD compares: Non-Finnish European, 0.0012%; no homozygotes.

Submissions (2):

Labcorp Genetics (formerly Invitae), Labcorp
Classification: Uncertain significance for Primary ciliary dyskinesia. Last evaluated: 2022-07-05. Review status: criteria provided, single submitter. Criteria: Invitae Variant Classification Sherloc (09022015). Collection method: clinical testing. Allele origin: germline.
Comment: This variant is present in population databases (no rsID available, gnomAD 0.0009%). In summary, the available evidence is currently insufficient to determine the role of this variant in disease. Therefore, it has been classified as a Variant of Uncertain Significance. Algorithms developed to predict the effect of missense changes on protein structure and function (SIFT, PolyPhen-2, Align-GVGD) all suggest that this variant is likely to be tolerated. ClinVar contains an entry for this variant (Variation ID: 219955). This variant has not been reported in the literature in individuals affected with CCDC40-related conditions. This sequence change replaces glutamine, which is neutral and polar, with glutamic acid, which is acidic and polar, at codon 576 of the CCDC40 protein (p.Gln576Glu).

Ambry Genetics
Classification: Uncertain significance for Primary ciliary dyskinesia. Last evaluated: 2022-05-24. Review status: criteria provided, single submitter. Criteria: Ambry Variant Classification Scheme 2023. Collection method: clinical testing. Allele origin: germline.
Comment: The p.Q576E variant (also known as c.1726C>G), located in coding exon 11 of the CCDC40 gene, results from a C to G substitution at nucleotide position 1726. The glutamine at codon 576 is replaced by glutamic acid, an amino acid with highly similar properties. This amino acid position is conserved. In addition, this alteration is predicted to be tolerated by in silico analysis. Since supporting evidence is limited at this time, the clinical significance of this alteration remains unclear.

NM_017950.4(CCDC40):c.1726C>G (p.Gln576Glu)

Gene: CCDC40 (coiled-coil domain 40 molecular ruler complex subunit; plus strand). Cytogenetic location: 17q25.3.
Variant type: single nucleotide variant.
Coding change: c.1726C>G on transcript NM_017950.4 (MANE Select); coding-DNA position 1726, C replaced by G.
Protein change: p.Gln576Glu; replaces glutamine 576 with glutamic acid.
Molecular consequence: missense variant.
Genome position (GRCh38, 1-based): chr17:80,081,709, C>G. VCF-style: chr17-80081709-C-G. GRCh37 (hg19) VCF-style: chr17-78055508-C-G.
Other names: c.1726C>G, p.Gln576Glu (NM_001243342.2); short protein forms Q576E.
Identifiers: ClinVar variation 219955 (VCV000219955.11), dbSNP rs864622323, ClinGen allele CA348037.
Genomic context (GRCh38, chr17:80,081,709, plus strand): 5'-AACCGGACAGAGACGGAAGCCACACTGCTGCAGAAGCTCACCACCCAGTGCCTGACCAAG[C>G]AGGTGGCCCTGCAGAGCCAGTTCAATACCTACAGGCTCACCCTGCAGGACACAGAGGATG-3'
Protein context (NP_060420.2, residues 566-586): QKLTTQCLTK[Gln576Glu]VALQSQFNTY